The following is an entry in ClinVar:

NM_001130144.3(LTBP3):c.2323G>C (p.Ala775Pro)

Genes: LTBP3 (latent transforming growth factor beta binding protein 3; minus strand), LOC130006029 (ATAC-STARR-seq lymphoblastoid silent region 3532; plus strand). Cytogenetic location: 11q13.1.
Variant type: single nucleotide variant.
Coding change: c.2323G>C on transcript NM_001130144.3 (MANE Select); coding-DNA position 2323, G replaced by C.
Protein change: p.Ala775Pro; replaces alanine 775 with proline.
Molecular consequence: missense variant.
Genome position (GRCh38, 1-based): chr11:65,546,472, C>G on the plus strand (G>C on the coding strand, the complement: LTBP3 is on the minus strand). VCF-style: chr11-65546472-C-G. GRCh37 (hg19) VCF-style: chr11-65313943-C-G.
Other names: c.1972G>C, p.Ala658Pro (NM_001164266.1); c.2323G>C, p.Ala775Pro (NM_021070.4); short protein forms A658P, A775P.
Identifiers: ClinVar variation 3868974 (VCV003868974.1).

ClinVar aggregate classification (germline): Uncertain significance (1 of 4 stars; one submission).

Conditions:
Inborn genetic diseases. Identifiers: MedGen C0950123, MeSH D030342.

Submission:

Ambry Genetics
Classification: Uncertain significance for Inborn genetic diseases. Last evaluated: 2025-01-21. Review status: criteria provided, single submitter. Criteria: Ambry Variant Classification Scheme 2023. Collection method: clinical testing. Allele origin: germline.
Comment: The p.A775P variant (also known as c.2323G>C), located in coding exon 16 of the LTBP3 gene, results from a G to C substitution at nucleotide position 2323. The alanine at codon 775 is replaced by proline, an amino acid with highly similar properties. This amino acid position is conserved. In addition, the in silico prediction for this alteration is inconclusive. Based on the available evidence, the clinical significance of this variant remains unclear.